The following is an entry in ClinVar:

ClinVar aggregate classification (germline): Pathogenic/Likely pathogenic. Review status: criteria provided, multiple submitters, no conflicts (2 of 4 stars). 3 submissions from 3 submitters: Pathogenic (2); Likely pathogenic (1). Last evaluated 2025-08-05.

Conditions:
Cystic fibrosis (CF). Also called: MUCOVISCIDOSIS. Identifiers: Orphanet 586, MedGen C0010674, MONDO:0009061, OMIM 219700. Disease mechanism: loss of function.
Bronchiectasis with or without elevated sweat chloride 1 (BESC1). Also called: Cystic Fibrosis-Like Syndrome. Identifiers: Orphanet 60033, MedGen C2749757, MONDO:0008887, OMIM 211400.
CFTR-related disorder (CFTR-RD). Also called: CFTR-related disorders; CFTR-related condition. Identifiers: MedGen C5924204, MONDO:7770004.

Submissions (3):

Natera, Inc.
Classification: Likely pathogenic for CFTR-related disorders. Last evaluated: 2025-08-05. Review status: criteria provided, single submitter. Criteria: Natera Variant Classification Schema (03/2026). Collection method: clinical testing. Allele origin: germline.
Comment: The c.2065C>T variant in CFTR is a nonsense variant predicted to introduce a stop codon at amino acid 689. This variant is expected to result in nonsense mediated decay, truncation, or a dysfunctional protein product. This variant is rare in the general population with a frequency below the threshold expected for the associated phenotype(s). Given the available evidence, this variant is classified as Likely Pathogenic.

Baylor Genetics
Classification: Pathogenic for Bronchiectasis with or without elevated sweat chloride 1. Last evaluated: 2023-11-15. Review status: criteria provided, single submitter. Criteria: ACMG Guidelines, 2015. Collection method: clinical testing. Allele origin: unknown.

CFTR-France
Classification: Pathogenic for cystic fibrosis. Last evaluated: 2018-01-29. Review status: criteria provided, single submitter. Criteria: Claustres M et al. (Hum Mutat 2017). Collection method: curation. Allele origin: germline. Affected: yes.

NM_000492.4(CFTR):c.2065C>T (p.Gln689Ter)

Gene: CFTR (CF transmembrane conductance regulator; plus strand). Cytogenetic location: 7q31.2.
Variant type: single nucleotide variant.
Coding change: c.2065C>T on transcript NM_000492.4 (MANE Select); coding-DNA position 2065, C replaced by T.
Protein change: p.Gln689Ter; replaces glutamine 689 with a stop codon.
Molecular consequence: nonsense.
Genome position (GRCh38, 1-based): chr7:117,592,232, C>T. VCF-style: chr7-117592232-C-T. GRCh37 (hg19) VCF-style: chr7-117232286-C-T.
Other names: short protein forms Q689*.
Identifiers: ClinVar variation 818146 (VCV000818146.3), dbSNP rs1584812425, ClinGen allele CA368979522.